The following is an entry in ClinVar:

ClinVar aggregate classification (germline): Pathogenic (1 of 4 stars; one submission).

Conditions:
Nemaline myopathy 2 (NEM2). Also called: Nemaline myopathy 2, autosomal recessive. Identifiers: MedGen C1850569, MONDO:0009725, OMIM 256030.

Submission:

Myriad Genetics, Inc.
Classification: Pathogenic for Nemaline myopathy 2. Last evaluated: 2023-09-27. Review status: criteria provided, single submitter. Criteria: Myriad Autosomal Dominant, Autosomal Recessive and X-Linked Classification Criteria (2023). Collection method: clinical testing. Allele origin: unknown.
Comment: NM_001271208.1(NEB):c.19308dupC(S6437Qfs*10) is expected to be pathogenic in the context of NEB-related nemaline myopathy. This variant is predicted to lead to an abnormal or absent protein product due to the creation of a premature termination codon in NEB, a gene where loss-of-function variants are known to be pathogenic. Please note: this variant was assessed in the context of healthy population screening.

NM_001164508.2(NEB):c.19308dup (p.Ser6437fs)

Gene: NEB (nebulin; minus strand). Cytogenetic location: 2q23.3.
Variant type: Duplication.
Coding change: c.19308dup on transcript NM_001164508.2 (MANE Select); coding-DNA position 19308, one base duplicated (C; older notation c.19308dupC).
Protein change: p.Ser6437fs; shifts the reading frame from serine 6437.
Molecular consequence: frameshift variant.
Genome position (GRCh38, 1-based): chr2:151,560,598, G duplicated on the plus strand (C on the coding strand, the reverse complement: NEB is on the minus strand); the first of 2 consecutive G bases (chr2:151,560,598-151,560,599); duplicating either gives the same sequence. VCF-style (leftmost placement, unchanged base first): chr2-151560597-T-TG. GRCh37 (hg19) VCF-style: chr2-152417111-T-TG.
Other names: c.19308dup, p.Ser6437fs (NM_001164507.2, NM_001271208.2); c.14205dup, p.Ser4736fs (NM_004543.5); short protein forms S4736fs, S6437fs.
Identifiers: ClinVar variation 5012299 (VCV005012299.1).
Genomic context (GRCh38, chr2:151,560,597, plus strand): 5'-AGAGCAGGGGAGGGGAGGGAGGGTGGGAAAGCTGTCATGTTTTTGCTTTACTTACATGGC[T>TG]GGCCAGATGCTTCTGGTTCTTGGCGTGTGTCAGGGACAAGGTGCTGGAAGGCAGGATGTA-3'